The following is an entry in ClinVar:

NM_001005373.4(LRSAM1):c.1367C>T (p.Ala456Val)

Gene: LRSAM1 (leucine rich repeat and sterile alpha motif containing 1; plus strand). Cytogenetic location: 9q33.3.
Variant type: single nucleotide variant.
Coding change: c.1367C>T on transcript NM_001005373.4 (MANE Select); coding-DNA position 1367, C replaced by T.
Protein change: p.Ala456Val; replaces alanine 456 with valine.
Molecular consequence: missense variant. On other transcripts: non-coding transcript variant (2).
Genome position (GRCh38, 1-based): chr9:127,489,463, C>T. VCF-style: chr9-127489463-C-T. GRCh37 (hg19) VCF-style: chr9-130251742-C-T.
Other names: c.1367C>T, p.Ala456Val (NM_001005374.4, NM_001190723.3, NM_001384142.1 and 2 more transcripts); c.578C>T, p.Ala193Val (NM_001384144.1); short protein forms A456V, A193V.
Identifiers: ClinVar variation 574747 (VCV000574747.16), dbSNP rs1299851938, ClinGen allele CA374933196.

ClinVar aggregate classification (germline): Uncertain significance. Review status: criteria provided, multiple submitters, no conflicts (2 of 4 stars). 2 submissions from 2 submitters: Uncertain significance (2). Last evaluated 2025-08-01.

Conditions:
Charcot-Marie-Tooth disease axonal type 2P. Also called: Charcot-Marie-Tooth Neuropathy Type 2G; CHARCOT-MARIE-TOOTH DISEASE, AXONAL, TYPE 2G; CMT 2G; CHARCOT-MARIE-TOOTH NEUROPATHY, TYPE 2P. Identifiers: Orphanet 300319, Orphanet 99941, MedGen C3280797, MONDO:0013753, OMIM 614436.

Allele frequency attached by ClinVar (database versions not stated): gnomAD exomes below 0.00001 and 0.00001.
gnomAD v4.1: 10 of 1,609,176 alleles (0.00062%); highest among the groups gnomAD compares: East Asian, 0.0022%; no homozygotes.

Submissions (2):

CeGaT Center for Human Genetics Tuebingen
Classification: Uncertain significance. Last evaluated: 2025-08-01. Review status: criteria provided, single submitter. Criteria: CeGaT Center For Human Genetics Tuebingen Variant Classification Criteria Version 2. Collection method: clinical testing. Allele origin: germline. Affected: yes. Observed: 1 variant allele.
Comment: LRSAM1: PM2

Labcorp Genetics (formerly Invitae), Labcorp
Classification: Uncertain significance for Charcot-Marie-Tooth disease axonal type 2P. Last evaluated: 2018-06-28. Review status: criteria provided, single submitter. Criteria: Invitae Variant Classification Sherloc (09022015). Collection method: clinical testing. Allele origin: germline.
Comment: In summary, the available evidence is currently insufficient to determine the role of this variant in disease. Therefore, it has been classified as a Variant of Uncertain Significance. Algorithms developed to predict the effect of missense changes on protein structure and function (SIFT, PolyPhen-2, Align-GVGD) all suggest that this variant is likely to be disruptive, but these predictions have not been confirmed by published functional studies and their clinical significance is uncertain. This variant has not been reported in the literature in individuals with LRSAM1-related disease. This variant is not present in population databases (ExAC no frequency). This sequence change replaces alanine with valine at codon 456 of the LRSAM1 protein (p.Ala456Val). The alanine residue is highly conserved and there is a small physicochemical difference between alanine and valine.